The following is an entry in ClinVar:

ClinVar aggregate classification (germline): Pathogenic (1 of 4 stars; one submission).

Conditions:
Familial thoracic aortic aneurysm and aortic dissection (TAAD). Also called: Thoracic aortic aneurysms and dissections. Identifiers: Orphanet 91387, MedGen C4707243, MONDO:0019625.

Submission:

Ambry Genetics
Classification: Pathogenic for Familial thoracic aortic aneurysm and aortic dissection. Last evaluated: 2016-11-03. Review status: criteria provided, single submitter. Criteria: Ambry Variant Classification Scheme 2023. Collection method: clinical testing. Allele origin: germline.
Comment: The c.3983delC pathogenic mutation, located in coding exon 50 of the COL5A1 gene, results from a deletion of one nucleotide at nucleotide position 3983, causing a translational frameshift with a predicted alternate stop codon (p.P1328Lfs*160). This alteration is expected to result in loss of function by premature protein truncation or nonsense-mediated mRNA decay. As such, this alteration is interpreted as a disease-causing mutation.

Literature cited by the submitters: PubMed 15580559.

NM_000093.5(COL5A1):c.3983del (p.Pro1328fs)

Gene: COL5A1 (collagen type V alpha 1 chain; plus strand). Cytogenetic location: 9q34.3.
Variant type: Deletion.
Coding change: c.3983del on transcript NM_000093.5 (MANE Select); coding-DNA position 3983, one base deleted (C; older notation c.3983delC).
Protein change: p.Pro1328fs; shifts the reading frame from proline 1328.
Molecular consequence: frameshift variant.
Genome position (GRCh38, 1-based): chr9:134,814,873, C deleted; the last of 3 consecutive C bases (chr9:134,814,871-134,814,873); deleting any one gives the same sequence. VCF-style (leftmost placement, unchanged base first): chr9-134814870-GC-G. GRCh37 (hg19) VCF-style: chr9-137706716-GC-G.
Other names: c.3983del, p.Pro1328fs (NM_001278074.1); short protein forms P1328fs.
Identifiers: ClinVar variation 519638 (VCV000519638.5), dbSNP rs1554805638, ClinGen allele CA658797349.
Genomic context (GRCh38, chr9:134,814,870, plus strand): 5'-AAAGGGGAGAGAAGGGCGAGTCAGGCCCTTCAGGTGCTGCCGGACCCCCTGGACCCAAAG[GC>G]CCTCCCGGAGATGATGGTCCCAAAGGCAGCCCTGTGAGTATTCCAGACACACCTCAGGGG-3'